The following is an entry in ClinVar:

ClinVar aggregate classification (germline): Uncertain significance. Review status: criteria provided, multiple submitters, no conflicts (2 of 4 stars). 2 submissions from 2 submitters: Uncertain significance (2). Last evaluated 2025-03-27.

Conditions:
Hereditary cancer-predisposing syndrome. Also called: Hereditary Cancer Syndrome; Tumor predisposition; Hereditary neoplastic syndrome; Neoplastic Syndromes, Hereditary. Identifiers: Orphanet 140162, MedGen C0027672, MeSH D009386, MONDO:0015356.
BAP1-related tumor predisposition syndrome (TPDS1). Also called: Tumor susceptibility linked to germline BAP1 mutations; BAP1 tumor predisposition syndrome; COMMON Syndrome; TUMOR PREDISPOSITION SYNDROME 1. Identifiers: Orphanet 289539, MedGen C3280492, MONDO:0013692, OMIM 614327.

gnomAD v4.1: 1 of 1,612,256 alleles (0.000062%); highest among the groups gnomAD compares: African/African-American, 0.0013%; no homozygotes.

Submissions (2):

Labcorp Genetics (formerly Invitae), Labcorp
Classification: Uncertain significance for BAP1-related tumor predisposition syndrome. Last evaluated: 2025-03-27. Review status: criteria provided, single submitter. Criteria: Invitae Variant Classification Sherloc (09022015). Collection method: clinical testing. Allele origin: germline.
Comment: This sequence change replaces aspartic acid, which is acidic and polar, with tyrosine, which is neutral and polar, at codon 74 of the BAP1 protein (p.Asp74Tyr). This variant is not present in population databases (gnomAD no frequency). This variant has not been reported in the literature in individuals affected with BAP1-related conditions. ClinVar contains an entry for this variant (Variation ID: 3260365). Invitae Evidence Modeling of protein sequence and biophysical properties (such as structural, functional, and spatial information, amino acid conservation, physicochemical variation, residue mobility, and thermodynamic stability) indicates that this missense variant is not expected to disrupt BAP1 protein function with a negative predictive value of 80%. In summary, the available evidence is currently insufficient to determine the role of this variant in disease. Therefore, it has been classified as a Variant of Uncertain Significance.

Ambry Genetics
Classification: Uncertain significance for Hereditary cancer-predisposing syndrome. Last evaluated: 2024-04-18. Review status: criteria provided, single submitter. Criteria: Ambry Variant Classification Scheme 2023. Collection method: clinical testing. Allele origin: germline.
Comment: The p.D74Y variant (also known as c.220G>T), located in coding exon 4 of the BAP1 gene, results from a G to T substitution at nucleotide position 220. The aspartic acid at codon 74 is replaced by tyrosine, an amino acid with highly dissimilar properties. This amino acid position is well conserved in available vertebrate species. In addition, this alteration is predicted to be tolerated by in silico analysis. Based on the available evidence, the clinical significance of this variant remains unclear.

NM_004656.4(BAP1):c.220G>T (p.Asp74Tyr)

Gene: BAP1 (BRCA1 associated deubiquitinase 1; minus strand). Cytogenetic location: 3p21.1.
Variant type: single nucleotide variant.
Coding change: c.220G>T on transcript NM_004656.4 (MANE Select); coding-DNA position 220, G replaced by T.
Protein change: p.Asp74Tyr; replaces aspartic acid 74 with tyrosine.
Molecular consequence: missense variant.
Genome position (GRCh38, 1-based): chr3:52,408,509, C>A on the plus strand (G>T on the coding strand, the complement: BAP1 is on the minus strand). VCF-style: chr3-52408509-C-A. GRCh37 (hg19) VCF-style: chr3-52442525-C-A.
Other names: c.220G>T, p.Asp74Tyr (NM_001410772.1); short protein forms D74Y.
Identifiers: ClinVar variation 3260365 (VCV003260365.3).